The following is an entry in ClinVar:

ClinVar aggregate classification (germline): Uncertain significance. Review status: criteria provided, multiple submitters, no conflicts (2 of 4 stars). 2 submissions from 2 submitters: Uncertain significance (2). Last evaluated 2024-11-05.

Conditions:
Polycystic lipomembranous osteodysplasia with sclerosing leukoencephalopathy 2. Also called: TREM2-Related Polycystic Lipomembranous Osteodysplasia with Sclerosing Leukoencephalopathy. Identifiers: MedGen C4748657, MONDO:0020750, OMIM 618193.

Allele frequency attached by ClinVar (database versions not stated): gnomAD 0.00006 and 0.00007; TOPMed 0.00006; gnomAD exomes 0.00006; ExAC 0.00010.
gnomAD v4.1: 82 of 1,613,720 alleles (0.0051%); highest among the groups gnomAD compares: African/African-American, 0.0093%; no homozygotes.

Submissions (2):

Labcorp Genetics (formerly Invitae), Labcorp
Classification: Uncertain significance. Last evaluated: 2024-11-05. Review status: criteria provided, single submitter. Criteria: Invitae Variant Classification Sherloc (09022015). Collection method: clinical testing. Allele origin: germline.
Comment: This sequence change replaces arginine, which is basic and polar, with tryptophan, which is neutral and slightly polar, at codon 136 of the TREM2 protein (p.Arg136Trp). This variant is present in population databases (rs772641807, gnomAD 0.02%). This missense change has been observed in individual(s) with Alzheimer disease (PMID: 24899047). ClinVar contains an entry for this variant (Variation ID: 1511527). An algorithm developed to predict the effect of missense changes on protein structure and function (PolyPhen-2) suggests that this variant¬†is likely to be tolerated. Experimental studies have shown that this missense change affects TREM2 function (PMID: 27589997). In summary, the available evidence is currently insufficient to determine the role of this variant in disease. Therefore, it has been classified as a Variant of Uncertain Significance.

Fulgent Genetics
Classification: Uncertain significance for Polycystic lipomembranous osteodysplasia with sclerosing leukoencephalopathy 2. Last evaluated: 2023-12-29. Review status: criteria provided, single submitter. Criteria: ACMG Guidelines, 2015. Collection method: clinical testing. Allele origin: germline.

Literature cited by the submitters: PubMed 24899047 (cited by Labcorp Genetics (formerly Invitae), Labcorp); PubMed 27589997 (cited by Labcorp Genetics (formerly Invitae), Labcorp).

NM_018965.4(TREM2):c.406C>T (p.Arg136Trp)

Gene: TREM2 (triggering receptor expressed on myeloid cells 2; minus strand). Cytogenetic location: 6p21.1.
Variant type: single nucleotide variant.
Coding change: c.406C>T on transcript NM_018965.4 (MANE Select); coding-DNA position 406, C replaced by T.
Protein change: p.Arg136Trp; replaces arginine 136 with tryptophan.
Molecular consequence: missense variant.
Genome position (GRCh38, 1-based): chr6:41,159,868, G>A on the plus strand (C>T on the coding strand, the complement: TREM2 is on the minus strand). VCF-style: chr6-41159868-G-A. GRCh37 (hg19) VCF-style: chr6-41127606-G-A.
Other names: c.406C>T, p.Arg136Trp (NM_001271821.2); short protein forms R136W.
Identifiers: ClinVar variation 1511527 (VCV001511527.6), dbSNP rs772641807, ClinGen allele CA3798891.